The following is an entry in ClinVar:

NM_001367916.1(MAGT1):c.725C>T (p.Pro242Leu)

Gene: MAGT1 (magnesium transporter 1; minus strand). Cytogenetic location: Xq21.1.
Variant type: single nucleotide variant.
Coding change: c.725C>T on transcript NM_001367916.1 (MANE Select); coding-DNA position 725, C replaced by T.
Protein change: p.Pro242Leu; replaces proline 242 with leucine.
Molecular consequence: missense variant.
Genome position (GRCh38, 1-based): chrX:77,855,538, G>A on the plus strand (C>T on the coding strand, the complement: MAGT1 is on the minus strand). VCF-style: chrX-77855538-G-A. GRCh37 (hg19) VCF-style: chrX-77111035-G-A.
Other names: c.821C>T, p.Pro274Leu (NM_032121.5); short protein forms P274L, P242L.
Identifiers: ClinVar variation 4706467 (VCV004706467.1).

ClinVar aggregate classification (germline): Uncertain significance (1 of 4 stars; one submission).

Conditions:
X-linked immunodeficiency with magnesium defect, Epstein-Barr virus infection and neoplasia. Identifiers: Orphanet 317476, MedGen C3275445, MONDO:0010455, OMIM 300853.

Submission:

Labcorp Genetics (formerly Invitae), Labcorp
Classification: Uncertain significance for X-linked immunodeficiency with magnesium defect, Epstein-Barr virus infection and neoplasia. Last evaluated: 2025-04-17. Review status: criteria provided, single submitter. Criteria: Invitae Variant Classification Sherloc (09022015). Collection method: clinical testing. Allele origin: germline.
Comment: This sequence change replaces proline, which is neutral and non-polar, with leucine, which is neutral and non-polar, at codon 274 of the MAGT1 protein (p.Pro274Leu). This variant is not present in population databases (gnomAD no frequency). This variant has not been reported in the literature in individuals affected with MAGT1-related conditions. Invitae Evidence Modeling of protein sequence and biophysical properties (such as structural, functional, and spatial information, amino acid conservation, physicochemical variation, residue mobility, and thermodynamic stability) indicates that this missense variant is expected to disrupt MAGT1 protein function with a positive predictive value of 80%. In summary, the available evidence is currently insufficient to determine the role of this variant in disease. Therefore, it has been classified as a Variant of Uncertain Significance.